The following is an entry in ClinVar:

ClinVar aggregate classification (germline): Uncertain significance (1 of 4 stars; one submission).

Allele frequency attached by ClinVar (database versions not stated): TOPMed below 0.00001; gnomAD exomes 0.00001.
gnomAD v4.1: 7 of 1,613,610 alleles (0.00043%); highest among the groups gnomAD compares: Admixed American, 0.0017%; no homozygotes.

Submission:

Ambry Genetics
Classification: Uncertain significance. Last evaluated: 2023-03-25. Review status: criteria provided, single submitter. Criteria: Ambry Variant Classification Scheme 2023. Collection method: clinical testing. Allele origin: germline.
Comment: The p.I743T variant (also known as c.2228T>C), located in coding exon 13 of the NPAT gene, results from a T to C substitution at nucleotide position 2228. The isoleucine at codon 743 is replaced by threonine, an amino acid with similar properties. This amino acid position is conserved. In addition, the in silico prediction for this alteration is inconclusive. Since supporting evidence is limited at this time, the clinical significance of this alteration remains unclear.

NM_002519.3(NPAT):c.2228T>C (p.Ile743Thr)

Gene: NPAT (nuclear protein, coactivator of histone transcription; minus strand). Cytogenetic location: 11q22.3.
Variant type: single nucleotide variant.
Coding change: c.2228T>C on transcript NM_002519.3 (MANE Select); coding-DNA position 2228, T replaced by C.
Protein change: p.Ile743Thr; replaces isoleucine 743 with threonine.
Molecular consequence: missense variant.
Genome position (GRCh38, 1-based): chr11:108,172,756, A>G on the plus strand (T>C on the coding strand, the complement: NPAT is on the minus strand). VCF-style: chr11-108172756-A-G. GRCh37 (hg19) VCF-style: chr11-108043483-A-G.
Other names: c.2228T>C, p.Ile743Thr (NM_001321307.1); short protein forms I743T.
Identifiers: ClinVar variation 2561404 (VCV002561404.2), dbSNP rs2077965248, ClinGen allele CA382513415.